The following is an entry in ClinVar:

NM_000718.4(CACNA1B):c.3868A>G (p.Met1290Val)

Gene: CACNA1B (calcium voltage-gated channel subunit alpha1 B; plus strand). Cytogenetic location: 9q34.3.
Variant type: single nucleotide variant.
Coding change: c.3868A>G on transcript NM_000718.4 (MANE Select); coding-DNA position 3868, A replaced by G.
Protein change: p.Met1290Val; replaces methionine 1290 with valine.
Molecular consequence: missense variant.
Genome position (GRCh38, 1-based): chr9:138,053,906, A>G. VCF-style: chr9-138053906-A-G. GRCh37 (hg19) VCF-style: chr9-140948358-A-G.
Other names: c.3868A>G, p.Met1290Val (NM_001243812.2); c.3868A>G (NM_000718.3); short protein forms M1290V.
Identifiers: ClinVar variation 2069313 (VCV002069313.4), dbSNP rs201272309, ClinGen allele CA5376855.

ClinVar aggregate classification (germline): Uncertain significance. Review status: criteria provided, multiple submitters, no conflicts (2 of 4 stars). 3 submissions from 3 submitters: Uncertain significance (3). Last evaluated 2025-08-06.

Allele frequency attached by ClinVar (database versions not stated): gnomAD 0.00005; ExAC 0.00002; TOPMed 0.00006; gnomAD exomes 0.00010; ESP Exome Variant Server 0.00008.

Submissions (3):

GeneDx
Classification: Uncertain significance. Last evaluated: 2025-08-06. Review status: criteria provided, single submitter. Criteria: GeneDx Variant Classification Process June 2021. Collection method: clinical testing. Allele origin: germline. Affected: yes.
Comment: In silico analysis suggests that this missense variant does not alter protein structure/function; Has not been previously published as pathogenic or benign to our knowledge; Not observed at significant frequency in large population cohorts (gnomAD)

Ambry Genetics
Classification: Uncertain significance. Last evaluated: 2024-03-01. Review status: criteria provided, single submitter. Criteria: Ambry Variant Classification Scheme 2023. Collection method: clinical testing. Allele origin: germline.

Labcorp Genetics (formerly Invitae), Labcorp
Classification: Uncertain significance. Last evaluated: 2022-06-10. Review status: criteria provided, single submitter. Criteria: Invitae Variant Classification Sherloc (09022015). Collection method: clinical testing. Allele origin: germline.
Comment: This sequence change replaces methionine, which is neutral and non-polar, with valine, which is neutral and non-polar, at codon 1290 of the CACNA1B protein (p.Met1290Val). This variant is present in population databases (rs201272309, gnomAD 0.007%). This variant has not been reported in the literature in individuals affected with CACNA1B-related conditions. Advanced modeling of protein sequence and biophysical properties (such as structural, functional, and spatial information, amino acid conservation, physicochemical variation, residue mobility, and thermodynamic stability) performed at Invitae indicates that this missense variant is not expected to disrupt CACNA1B protein function. In summary, the available evidence is currently insufficient to determine the role of this variant in disease. Therefore, it has been classified as a Variant of Uncertain Significance.